The following is an entry in ClinVar:

ClinVar aggregate classification (germline): Uncertain significance. Review status: criteria provided, multiple submitters, no conflicts (2 of 4 stars). 2 submissions from 2 submitters: Uncertain significance (2). Last evaluated 2022-06-11.

Conditions:
Microcephaly, normal intelligence and immunodeficiency (NBS). Also called: IMMUNODEFICIENCY, MICROCEPHALY, AND CHROMOSOMAL INSTABILITY; SEEMANOVA SYNDROME II; Immunodeficiency, microcephaly with normal intelligence; Ataxia telangiectasia variant V1; Nijmegen breakage syndrome; Microcephaly with normal intelligence immunodeficiency and lymphoreticular malignancies. Identifiers: Orphanet 647, MedGen C0398791, MONDO:0009623, OMIM 251260.
Hereditary cancer-predisposing syndrome. Also called: Hereditary neoplastic syndrome; Neoplastic Syndromes, Hereditary; Tumor predisposition; Hereditary Cancer Syndrome. Identifiers: Orphanet 140162, MedGen C0027672, MeSH D009386, MONDO:0015356.

Submissions (2):

Ambry Genetics
Classification: Uncertain significance for Hereditary cancer-predisposing syndrome. Last evaluated: 2022-06-11. Review status: criteria provided, single submitter. Criteria: Ambry Variant Classification Scheme 2023. Collection method: clinical testing. Allele origin: germline.
Comment: The p.K188Q variant (also known as c.562A>C), located in coding exon 5 of the NBN gene, results from an A to C substitution at nucleotide position 562. The lysine at codon 188 is replaced by glutamine, an amino acid with similar properties. This amino acid position is conserved. In addition, this alteration is predicted to be tolerated by in silico analysis. Since supporting evidence is limited at this time, the clinical significance of this alteration remains unclear.

Labcorp Genetics (formerly Invitae), Labcorp
Classification: Uncertain significance for Microcephaly, normal intelligence and immunodeficiency. Last evaluated: 2016-05-07. Review status: criteria provided, single submitter. Criteria: Invitae Variant Classification Sherloc (09022015). Collection method: clinical testing. Allele origin: germline.
Comment: In summary, this variant is a novel missense change that is not predicted to affect protein function. There is no indication that it causes disease, but the available evidence is currently insufficient to prove that conclusively. Therefore, it has been classified as a Variant of Uncertain Significance. Algorithms developed to predict the effect of missense changes on protein structure and function output the following: (SIFT: "Tolerated"; PolyPhen-2: "Benign"; Align-GVGD: "Class C0"). The glutamine amino acid residue is also found in multiple mammalian species, suggesting that this missense change does not adversely affect protein function. These predictions have not been confirmed by published functional studies. This variant is not present in population databases (ExAC no frequency) and has not been reported in the literature in individuals with an NBN-related disease. This sequence change replaces lysine with glutamine at codon 188 of the NBN protein (p.Lys188Gln). The lysine residue is weakly conserved and there is a small physicochemical difference between lysine and glutamine.

NM_002485.5(NBN):c.562A>C (p.Lys188Gln)

Gene: NBN (nibrin; minus strand). Cytogenetic location: 8q21.3.
Variant type: single nucleotide variant.
Coding change: c.562A>C on transcript NM_002485.5 (MANE Select); coding-DNA position 562, A replaced by C.
Protein change: p.Lys188Gln; replaces lysine 188 with glutamine.
Molecular consequence: missense variant.
Genome position (GRCh38, 1-based): chr8:89,978,242, T>G on the plus strand (A>C on the coding strand, the complement: NBN is on the minus strand). VCF-style: chr8-89978242-T-G. GRCh37 (hg19) VCF-style: chr8-90990470-T-G.
Other names: c.316A>C, p.Lys106Gln (NM_001024688.3); short protein forms K188Q, K106Q.
Identifiers: ClinVar variation 411769 (VCV000411769.11), dbSNP rs1060503476, ClinGen allele CA16612370.